The following is an entry in ClinVar:

NM_006767.4(LZTR1):c.335_336delinsTT (p.Gly112Val)

Gene: LZTR1 (leucine zipper like post translational regulator 1; plus strand). Cytogenetic location: 22q11.21.
Variant type: Indel.
Coding change: c.335_336delinsTT on transcript NM_006767.4 (MANE Select); coding-DNA positions 335 to 336, GG replaced by TT.
Protein change: p.Gly112Val; replaces glycine 112 with valine.
Molecular consequence: missense variant.
Genome position (GRCh38, 1-based): chr22:20,987,518-20,987,519, GG replaced by TT. VCF-style: chr22-20987518-GG-TT. GRCh37 (hg19) VCF-style: chr22-21341807-GG-TT.
Other names: short protein forms G112V.
Identifiers: ClinVar variation 2832034 (VCV002832034.3), dbSNP rs2518612440, ClinGen allele CA2739267811.

ClinVar aggregate classification (germline): Uncertain significance (1 of 4 stars; one submission).

Submission:

Labcorp Genetics (formerly Invitae), Labcorp
Classification: Uncertain significance. Last evaluated: 2025-05-18. Review status: criteria provided, single submitter. Criteria: Invitae Variant Classification Sherloc (09022015). Collection method: clinical testing. Allele origin: germline.
Comment: This sequence change replaces glycine, which is neutral and non-polar, with valine, which is neutral and non-polar, at codon 112 of the LZTR1 protein (p.Gly112Val). Information on the frequency of this variant in the gnomAD database is not available, as this variant may be reported differently in the database. This variant has not been reported in the literature in individuals affected with LZTR1-related conditions. ClinVar contains an entry for this variant (Variation ID: 2832034). An algorithm developed to predict the effect of missense changes on protein structure and function (PolyPhen-2) suggests that this variant is likely to be disruptive. In summary, the available evidence is currently insufficient to determine the role of this variant in disease. Therefore, it has been classified as a Variant of Uncertain Significance.